The following is an entry in ClinVar:

ClinVar aggregate classification (germline): Uncertain significance. Review status: criteria provided, multiple submitters, no conflicts (2 of 4 stars). 2 submissions from 2 submitters: Uncertain significance (2). Last evaluated 2024-12-10.

Conditions:
Hereditary cancer-predisposing syndrome. Also called: Neoplastic Syndromes, Hereditary; Tumor predisposition; Hereditary neoplastic syndrome; Hereditary Cancer Syndrome. Identifiers: Orphanet 140162, MedGen C0027672, MeSH D009386, MONDO:0015356.
Familial adenomatous polyposis 1 (FAP1). Also called: FAMILIAL ADENOMATOUS POLYPOSIS 1, ATTENUATED; POLYPOSIS, ADENOMATOUS INTESTINAL. Identifiers: MedGen C2713442, MONDO:0021056, OMIM 175100. Disease mechanism: loss of function.

Submissions (2):

Color Diagnostics, LLC DBA Color Health
Classification: Uncertain significance for Hereditary cancer-predisposing syndrome. Last evaluated: 2024-12-10. Review status: criteria provided, single submitter. Criteria: ACMG Guidelines, 2015. Collection method: clinical testing. Allele origin: germline.
Comment: This missense variant replaces glycine with alanine at codon 2145 of the APC protein. Computational prediction is inconclusive regarding the impact of this variant on protein structure and function (internally defined REVEL score threshold 0.5 < inconclusive < 0.7, PMID: 27666373). To our knowledge, functional studies have not been reported for this variant. This variant has not been reported in individuals affected with APC-related disorders in the literature. This variant has not been identified in the general population by the Genome Aggregation Database (gnomAD). The available evidence is insufficient to determine the role of this variant in disease conclusively. Therefore, this variant is classified as a Variant of Uncertain Significance.

Labcorp Genetics (formerly Invitae), Labcorp
Classification: Uncertain significance for Familial adenomatous polyposis 1. Last evaluated: 2018-03-03. Review status: criteria provided, single submitter. Criteria: Invitae Variant Classification Sherloc (09022015). Collection method: clinical testing. Allele origin: germline.
Comment: Algorithms developed to predict the effect of missense changes on protein structure and function do not agree on the potential impact of this missense change (SIFT: "Deleterious"; PolyPhen-2: "Probably Damaging"; Align-GVGD: "Class C0"). In summary, the available evidence is currently insufficient to determine the role of this variant in disease. Therefore, it has been classified as a Variant of Uncertain Significance. This variant has not been reported in the literature in individuals with APC-related disease. This variant is not present in population databases (ExAC no frequency). This sequence change replaces glycine with alanine at codon 2145 of the APC protein (p.Gly2145Ala). The glycine residue is highly conserved and there is a small physicochemical difference between glycine and alanine.

NM_000038.6(APC):c.6434G>C (p.Gly2145Ala)

Gene: APC (APC regulator of Wnt signaling pathway; plus strand). Cytogenetic location: 5q22.2.
Variant type: single nucleotide variant.
Coding change: c.6434G>C on transcript NM_000038.6 (MANE Select); coding-DNA position 6434, G replaced by C.
Protein change: p.Gly2145Ala; replaces glycine 2145 with alanine.
Molecular consequence: missense variant.
Genome position (GRCh38, 1-based): chr5:112,842,028, G>C. VCF-style: chr5-112842028-G-C. GRCh37 (hg19) VCF-style: chr5-112177725-G-C.
Other names: c.6434G>C, p.Gly2145Ala (NM_001127510.3, NM_001354895.2); c.6380G>C, p.Gly2127Ala (NM_001127511.3); c.6488G>C, p.Gly2163Ala (NM_001354896.2); c.6464G>C, p.Gly2155Ala (NM_001354897.2); c.6359G>C, p.Gly2120Ala (NM_001354898.2); c.6350G>C, p.Gly2117Ala (NM_001354899.2); c.6311G>C, p.Gly2104Ala (NM_001354900.2); c.6257G>C, p.Gly2086Ala (NM_001354901.2); and 5 more; short protein forms G2127A, G2145A, G2104A, G2044A, G2117A, G2120A, G1862A, G1985A.
Identifiers: ClinVar variation 568158 (VCV000568158.11), dbSNP rs1554087422, ClinGen allele CA16035411.
Genomic context (GRCh38, chr5:112,842,028, plus strand): 5'-CTAGACAAGCTTCGTCTGATTCAGATTCCATCCTTTCCCTGAAATCAGGAATCTCTCTGG[G>C]ATCACCATTTCATCTTACACCTGATCAAGAAGAAAAACCCTTTACAAGTAATAAAGGCCC-3'
Protein context (NP_000029.2, residues 2135-2155): ILSLKSGISL[Gly2145Ala]SPFHLTPDQE